The following is an entry in ClinVar:

ClinVar aggregate classification (germline): Uncertain significance. Review status: criteria provided, multiple submitters, no conflicts (2 of 4 stars). 2 submissions from 2 submitters: Uncertain significance (2). Last evaluated 2024-06-13.

Conditions:
COG1 congenital disorder of glycosylation (CDG2G). Also called: CONGENITAL DISORDER OF GLYCOSYLATION, TYPE IIg; CDG IIg; CDGII/COG1 CEREBROCOSTOMANDIBULAR-LIKE SYNDROME. Identifiers: Orphanet 263508, MedGen C2931011, MONDO:0012637, OMIM 611209.
Inborn genetic diseases. Identifiers: MedGen C0950123, MeSH D030342.

Allele frequency attached by ClinVar (database versions not stated): gnomAD exomes 0.00005 and 0.00010; ExAC 0.00012; ESP Exome Variant Server 0.00023; 1000 Genomes Project 30x 0.00031; gnomAD 0.00051 and 0.00058; TOPMed 0.00052.
gnomAD v4.1: 157 of 1,614,212 alleles (0.0097%); highest among the groups gnomAD compares: African/African-American, 0.19%; no homozygotes.

Submissions (2):

Labcorp Genetics (formerly Invitae), Labcorp
Classification: Uncertain significance for COG1 congenital disorder of glycosylation. Last evaluated: 2024-06-13. Review status: criteria provided, single submitter. Criteria: Invitae Variant Classification Sherloc (09022015). Collection method: clinical testing. Allele origin: germline.
Comment: This sequence change replaces serine, which is neutral and polar, with cysteine, which is neutral and slightly polar, at codon 500 of the COG1 protein (p.Ser500Cys). This variant is present in population databases (rs143051453, gnomAD 0.2%). This variant has not been reported in the literature in individuals affected with COG1-related conditions. ClinVar contains an entry for this variant (Variation ID: 1055139). Advanced modeling of protein sequence and biophysical properties (such as structural, functional, and spatial information, amino acid conservation, physicochemical variation, residue mobility, and thermodynamic stability) performed at Invitae indicates that this missense variant is not expected to disrupt COG1 protein function with a negative predictive value of 80%. In summary, the available evidence is currently insufficient to determine the role of this variant in disease. Therefore, it has been classified as a Variant of Uncertain Significance.

Ambry Genetics
Classification: Uncertain significance for Inborn genetic diseases. Last evaluated: 2021-10-26. Review status: criteria provided, single submitter. Criteria: Ambry Variant Classification Scheme 2023. Collection method: clinical testing. Allele origin: germline.

NM_018714.3(COG1):c.1498A>T (p.Ser500Cys)

Gene: COG1 (component of oligomeric golgi complex 1; plus strand). Cytogenetic location: 17q25.1.
Variant type: single nucleotide variant.
Coding change: c.1498A>T on transcript NM_018714.3 (MANE Select); coding-DNA position 1498, A replaced by T.
Protein change: p.Ser500Cys; replaces serine 500 with cysteine.
Molecular consequence: missense variant.
Genome position (GRCh38, 1-based): chr17:73,201,325, A>T. VCF-style: chr17-73201325-A-T. GRCh37 (hg19) VCF-style: chr17-71197464-A-T.
Other names: c.1498A>T (NM_018714.2); short protein forms S500C.
Identifiers: ClinVar variation 1055139 (VCV001055139.9), dbSNP rs143051453, ClinGen allele CA8740243.